The following is an entry in ClinVar:

ClinVar aggregate classification (germline): Uncertain significance. Review status: criteria provided, multiple submitters, no conflicts (2 of 4 stars). 2 submissions from 2 submitters: Uncertain significance (2). Last evaluated 2026-07-21.

Conditions:
PHYH-related disorder. Also called: PHYH-related condition.

Allele frequency attached by ClinVar (database versions not stated): TOPMed 0.00002; gnomAD 0.00003.

Submissions (2):

PreventionGenetics, part of Exact Sciences
Classification: Uncertain significance for PHYH-related condition. Last evaluated: 2026-07-21. Review status: criteria provided, single submitter. Criteria: ACMG Guidelines, 2015. Collection method: clinical testing. Allele origin: germline.
Comment: The PHYH c.161C>T variant is predicted to result in the amino acid substitution p.Thr54Ile. To our knowledge, this variant has not been reported in the literature. This variant is reported in 0.056% of alleles in individuals of Latino descent in gnomAD. Although we suspect that this variant may be benign, at this time, the clinical significance of this variant is uncertain due to the absence of conclusive functional and genetic evidence.

Labcorp Genetics (formerly Invitae), Labcorp
Classification: Uncertain significance. Last evaluated: 2024-11-11. Review status: criteria provided, single submitter. Criteria: Invitae Variant Classification Sherloc (09022015). Collection method: clinical testing. Allele origin: germline.
Comment: This sequence change replaces threonine, which is neutral and polar, with isoleucine, which is neutral and non-polar, at codon 54 of the PHYH protein (p.Thr54Ile). This variant is present in population databases (rs775279867, gnomAD 0.06%). This variant has not been reported in the literature in individuals affected with PHYH-related conditions. ClinVar contains an entry for this variant (Variation ID: 850430). Invitae Evidence Modeling of protein sequence and biophysical properties (such as structural, functional, and spatial information, amino acid conservation, physicochemical variation, residue mobility, and thermodynamic stability) indicates that this missense variant is expected to disrupt PHYH protein function with a positive predictive value of 80%. In summary, the available evidence is currently insufficient to determine the role of this variant in disease. Therefore, it has been classified as a Variant of Uncertain Significance.

NM_006214.4(PHYH):c.161C>T (p.Thr54Ile)

Gene: PHYH (phytanoyl-CoA 2-hydroxylase; minus strand). Cytogenetic location: 10p13.
Variant type: single nucleotide variant.
Coding change: c.161C>T on transcript NM_006214.4 (MANE Select); coding-DNA position 161, C replaced by T.
Protein change: p.Thr54Ile; replaces threonine 54 with isoleucine.
Molecular consequence: missense variant. On other transcripts: 5 prime UTR variant (3).
Genome position (GRCh38, 1-based): chr10:13,295,580, G>A on the plus strand (C>T on the coding strand, the complement: PHYH is on the minus strand). VCF-style: chr10-13295580-G-A. GRCh37 (hg19) VCF-style: chr10-13337580-G-A.
Other names: c.-140C>T (NM_001037537.2, NM_001323080.2, NM_001323084.2); c.161C>T, p.Thr54Ile (NM_001323082.2, NM_001323083.2); short protein forms T54I.
Identifiers: ClinVar variation 850430 (VCV000850430.7), dbSNP rs775279867, ClinGen allele CA5412461.